The following is an entry in ClinVar:

ClinVar aggregate classification (germline): Likely pathogenic (1 of 4 stars; one submission).

Conditions:
Fatal mitochondrial disease due to combined oxidative phosphorylation defect type 3. Also called: ENCEPHALOMYOPATHY, RESPIRATORY FAILURE, AND LACTIC ACIDOSIS; Combined oxidative phosphorylation deficiency 3. Identifiers: Orphanet 168566, MedGen C1864840, MONDO:0012512, OMIM 610505.

Allele frequency attached by ClinVar (database versions not stated): TOPMed below 0.00001; gnomAD 0.00001; gnomAD exomes 0.00001.
gnomAD v4.1: 11 of 1,602,636 alleles (0.00069%); highest among the groups gnomAD compares: Non-Finnish European, 0.00068%; no homozygotes.

Submission:

Victorian Clinical Genetics Services, Murdoch Childrens Research Institute
Classification: Likely pathogenic for Fatal mitochondrial disease due to combined oxidative phosphorylation defect type 3. Last evaluated: 2023-07-17. Review status: criteria provided, single submitter. Criteria: ACMG Guidelines, 2015. Collection method: clinical testing. Allele origin: germline. Inheritance: Autosomal recessive inheritance. Affected: yes.
Comment: Based on the classification scheme VCGS_Germline_v1.3.4, this variant is classified as Likely pathogenic. Following criteria are met: 0102 - Loss of function is a known mechanism of disease in this gene and is associated with combined oxidative phosphorylation deficiency 3 (MIM#610505). (I) 0106 - This gene is associated with autosomal recessive disease. (I) 0115 - Variants in this gene are known to have variable expressivity (OMIM). (I) 0200 - Variant is predicted to result in a missense amino acid change from glutamine to histidine. (I) 0251 - This variant is heterozygous. (I) 0304 - Variant is present in gnomAD (v3) <0.001 for a recessive condition (1 heterozygote, 0 homozygotes). (SP) 0502 - Missense variant with conflicting in silico predictions and uninformative conservation. (I) 0600 - Variant is located in the annotated EF_TS domain (DECIPHER). (I) 0705 - No comparable missense variants have previous evidence for pathogenicity. (I) 0807 - This variant has no previous evidence of pathogenicity. (I) 0905 - No published segregation evidence has been identified for this variant. (I) 1007 - No published functional evidence has been identified for this variant. (I) 1102 - Strong phenotype match for this individual. (SP) 1201 - Heterozygous variant detected in trans with a second pathogenic heterozygous variant (NM_005726.5(TSFM):c.856C>T; p.(Gln286*)) in a recessive disease. (I) Legend: (SP) - Supporting pathogenic, (I) - Information, (SB) - Supporting benign

NM_005726.6(TSFM):c.774G>C (p.Gln258His)

Gene: TSFM (Ts translation elongation factor, mitochondrial; plus strand). Cytogenetic location: 12q14.1.
Variant type: single nucleotide variant.
Coding change: c.774G>C on transcript NM_005726.6 (MANE Select); coding-DNA position 774, G replaced by C.
Protein change: p.Gln258His; replaces glutamine 258 with histidine.
Molecular consequence: missense variant. On other transcripts: 3 prime UTR variant (1), intron variant (1).
Genome position (GRCh38, 1-based): chr12:57,796,379, G>C. VCF-style: chr12-57796379-G-C. GRCh37 (hg19) VCF-style: chr12-58190162-G-C.
Other names: c.*182G>C (NM_001172695.2); c.837G>C, p.Gln279His (NM_001172696.2); c.571+3306G>C (NM_001172697.2); short protein forms Q258H, Q279H.
Identifiers: ClinVar variation 1806099 (VCV001806099.2), dbSNP rs1955739271, ClinGen allele CA385531124.
Genomic context (GRCh38, chr12:57,796,379, plus strand): 5'-CATCTGTGAGACGTCTGAACAGAAAACAAACCTTGAAGACGTTGGCCGCCGCCTTGGGCA[G>C]CATGTGGTGGGCATGGCCCCCCTCTCTGTTGGCTCCCTGGACGATGAGCCTGGGGGAGAG-3'
Protein context (NP_005717.3, residues 248-268): NLEDVGRRLG[Gln258His]HVVGMAPLSV